The following is an entry in ClinVar:

ClinVar aggregate classification (germline): Pathogenic (1 of 4 stars; one submission).

Submission:

Quest Diagnostics Nichols Institute San Juan Capistrano
Classification: Pathogenic. Last evaluated: 2025-01-10. Review status: criteria provided, single submitter. Criteria: ACMG/ClinGen CNV Guidelines, 2019. Collection method: clinical testing. Allele origin: unknown.
Comment: This deletion involves at least 14 protein-coding genes. Heterozygous missense, in-frame, and loss-of-function variants, including partial deletions, of RORB have been associated with autosomal dominant susceptibility to idiopathic generalized epilepsy 15 (OMIM 618357; Baglietto 2014, Boudry-Labis 2013, Coppola 2019, Gokce-Samar 2024, Lal 2015, Rudolf 2016, Satterstrom 2020). There are no similar copy number losses of this region in the general populations of the Database of Genomic Variants. Thus, based on current medical literature and gene content, this copy number variant (CNV) is classified as pathogenic. References: Baglietto et al., Eur J Med Genet. 2014 Jan;57(1):44-6. PMID: 24355400 Boudry-Labis et al., Eur J Med Genet. 2013 Mar;56(3):163-70. PMID: 23279911 Coppola et al., Epilepsia. 2019 Apr;60(4):689-706. PMID: 30866059 Gokce-Samar et al., Neurology. 2024 Jan 23;102(2):e207945. PMID: 38165337 Lal et al., PLoS Genet. 2015 May 7;11(5):e1005226. PMID: 25950944 Rudolf et al., Eur J Hum Genet. 2016 Dec;24(12):1761-1770. PMID: 27352968 Satterstrom et al., Cell. 2020 Feb 6;180(3):568-584.e23. PMID: 31981491

GRCh37/hg19 9q21.13-21.2(chr9:77109597-80718096)x1

Genes: C9orf40 (chromosome 9 open reading frame 40; minus strand), CARNMT1 (carnosine N-methyltransferase 1; minus strand), CARNMT1-AS1 (CARNMT1 antisense RNA 1; plus strand), FOXB2 (forkhead box B2; plus strand), GCNT1 (glucosaminyl (N-acetyl) transferase 1; plus strand) and 11 more. Cytogenetic location: 9q21.13-21.2.
Variant type: copy number loss.
Change: copy number 1 (one copy instead of two) of chr9:77,109,597-80,718,096 (3.61 Mb, GRCh37 coordinates, 1-based), cytogenetic band 9q21.13-21.2.
Identifiers: ClinVar variation 4682740 (VCV004682740.1).